The following is an entry in ClinVar:

NM_000782.5(CYP24A1):c.*50C>T

Gene: CYP24A1 (cytochrome P450 family 24 subfamily A member 1; minus strand). Cytogenetic location: 20q13.2.
Variant type: single nucleotide variant.
Coding change: c.*50C>T on transcript NM_000782.5 (MANE Select); 50 bases downstream of the stop codon, C replaced by T.
Molecular consequence: 3 prime UTR variant.
Genome position (GRCh38, 1-based): chr20:54,154,722, G>A on the plus strand (C>T on the coding strand, the complement: CYP24A1 is on the minus strand). VCF-style: chr20-54154722-G-A. GRCh37 (hg19) VCF-style: chr20-52771261-G-A.
Other names: c.*50C>T (NM_001128915.2).
Identifiers: ClinVar variation 338810 (VCV000338810.7), dbSNP rs2762934, ClinGen allele CA10653252.

ClinVar aggregate classification (germline): Benign. Review status: criteria provided, multiple submitters, no conflicts (2 of 4 stars). 2 submissions from 2 submitters: Benign (2). Last evaluated 2018-01-12.

Conditions:
Hypercalcemia, infantile, 1 (HCINF1). Identifiers: Orphanet 300547, MedGen CN031131, MONDO:0020739, OMIM 143880.

Allele frequency attached by ClinVar (database versions not stated): gnomAD exomes 0.21847; TOPMed 0.17160; gnomAD 0.18074 and 0.17757; 1000 Genomes Project 0.18870; 1000 Genomes Project 30x 0.18785.
gnomAD v4.1: 27,824 of 153,476 alleles (18%); highest among the groups gnomAD compares: South Asian, 29%; 2,635 homozygotes.

Submissions (2):

Illumina Laboratory Services, Illumina
Classification: Benign for Hypercalcemia, infantile, 1. Last evaluated: 2018-01-12. Review status: criteria provided, single submitter. Criteria: ICSL Variant Classification Criteria 13 December 2019. Collection method: clinical testing. Allele origin: germline.
Comment: This variant was observed in the ICSL laboratory as part of a predisposition screen in an ostensibly healthy population. It had not been previously curated by ICSL or reported in the Human Gene Mutation Database (HGMD: prior to June 1st, 2018), and was therefore a candidate for classification through an automated scoring system. Utilizing variant allele frequency, disease prevalence and penetrance estimates, and inheritance mode, an automated score was calculated to assess if this variant is too frequent to cause the disease. Based on the score and internal cut-off values, a variant classified as benign is not then subjected to further curation. The score for this variant resulted in a classification of benign for this disease.

Breakthrough Genomics
Classification: Benign. Review status: criteria provided, single submitter. Criteria: ACMG Guidelines, 2015. Collection method: not provided. Allele origin: germline. Inheritance: Autosomal recessive inheritance. Affected: yes.